The following is an entry in ClinVar:

NM_000052.7(ATP7A):c.469_470del (p.Ser157fs)

Gene: ATP7A (ATPase copper transporting alpha; plus strand). Cytogenetic location: Xq21.1.
Variant type: Deletion.
Coding change: c.469_470del on transcript NM_000052.7 (MANE Select); coding-DNA positions 469 to 470, 2 bases deleted (TC; older notation c.469_470delTC).
Protein change: p.Ser157fs; shifts the reading frame from serine 157.
Molecular consequence: frameshift variant.
Genome position (GRCh38, 1-based): chrX:77,988,590-77,988,591, TC deleted. VCF-style (leftmost placement, unchanged base first): chrX-77988589-GTC-G. GRCh37 (hg19) VCF-style: chrX-77244085-GTC-G.
Other names: c.469_470del, p.Ser157fs (NM_001282224.2); short protein forms S157fs.
Identifiers: ClinVar variation 1725085 (VCV001725085.3), dbSNP rs2522290244, ClinGen allele CA2580101444.

ClinVar aggregate classification (germline): Likely pathogenic (1 of 4 stars; one submission).

Conditions:
Menkes kinky-hair syndrome (MNK). Also called: Copper transport disease; Classic Menkes Disease; Menkes Disease. Identifiers: Orphanet 565, MedGen C0022716, MONDO:0010651, OMIM 309400.

Submission:

Myriad Genetics, Inc.
Classification: Likely pathogenic for Menkes kinky-hair syndrome. Last evaluated: 2022-03-08. Review status: criteria provided, single submitter. Criteria: Myriad Autosomal Dominant, Autosomal Recessive and X-Linked Classification Criteria (2023). Collection method: clinical testing. Allele origin: unknown.
Comment: NM_000052.5(ATP7A):c.469_470delTC(S157Rfs*4) is expected to be pathogenic in the context of ATP7A-related disorders. This variant is predicted to lead to an abnormal or absent protein product due to the creation of a premature termination codon in ATP7A, a gene where loss-of-function variants are known to be pathogenic. Please note: this variant was assessed in the context of healthy population screening.